The following is an entry in ClinVar:

NM_004963.4(GUCY2C):c.2821T>C (p.Cys941Arg)

Genes: GUCY2C (guanylate cyclase 2C; minus strand), PLBD1-AS1 (PLBD1 antisense RNA 1; plus strand). Cytogenetic location: 12p12.3.
Variant type: single nucleotide variant.
Coding change: c.2821T>C on transcript NM_004963.4 (MANE Select); coding-DNA position 2821, T replaced by C.
Protein change: p.Cys941Arg; replaces cysteine 941 with arginine.
Molecular consequence: missense variant. On other transcripts: non-coding transcript variant (1).
Genome position (GRCh38, 1-based): chr12:14,619,265, A>G on the plus strand (T>C on the coding strand, the complement: GUCY2C is on the minus strand). VCF-style: chr12-14619265-A-G. GRCh37 (hg19) VCF-style: chr12-14772199-A-G.
Other names: c.2821T>C (NM_004963.3); short protein forms C941R.
Identifiers: ClinVar variation 3668565 (VCV003668565.3).

ClinVar aggregate classification (germline): Uncertain significance. Review status: criteria provided, multiple submitters, no conflicts (2 of 4 stars). 2 submissions from 2 submitters: Uncertain significance (2). Last evaluated 2026-08-18.

Conditions:
Inborn genetic diseases. Identifiers: MedGen C0950123, MeSH D030342.

gnomAD v4.1: 2 of 1,613,154 alleles (0.00012%); highest among the groups gnomAD compares: Non-Finnish European, 0.00017%; no homozygotes.

Submissions (2):

Ambry Genetics
Classification: Uncertain significance for Inborn genetic diseases. Last evaluated: 2026-08-18. Review status: criteria provided, single submitter. Criteria: Ambry Variant Classification Scheme 2023. Collection method: clinical testing. Allele origin: germline.

Labcorp Genetics (formerly Invitae), Labcorp
Classification: Uncertain significance. Last evaluated: 2024-05-10. Review status: criteria provided, single submitter. Criteria: Invitae Variant Classification Sherloc (09022015). Collection method: clinical testing. Allele origin: germline.
Comment: This sequence change replaces cysteine, which is neutral and slightly polar, with arginine, which is basic and polar, at codon 941 of the GUCY2C protein (p.Cys941Arg). This variant is present in population databases (no rsID available, gnomAD 0.0009%). This variant has not been reported in the literature in individuals affected with GUCY2C-related conditions. Advanced modeling of protein sequence and biophysical properties (such as structural, functional, and spatial information, amino acid conservation, physicochemical variation, residue mobility, and thermodynamic stability) performed at Invitae indicates that this missense variant is expected to disrupt GUCY2C protein function with a positive predictive value of 80%. In summary, the available evidence is currently insufficient to determine the role of this variant in disease. Therefore, it has been classified as a Variant of Uncertain Significance.